The following is an entry in ClinVar:

NM_020975.6(RET):c.3242A>G (p.Asp1081Gly)

Gene: RET (ret proto-oncogene; plus strand). Cytogenetic location: 10q11.21.
Variant type: single nucleotide variant.
Coding change: c.3242A>G on transcript NM_020975.6 (MANE Select); coding-DNA position 3242, A replaced by G.
Protein change: p.Asp1081Gly; replaces aspartic acid 1081 with glycine.
Molecular consequence: missense variant. On other transcripts: 3 prime UTR variant (18), intron variant (3).
Genome position (GRCh38, 1-based): chr10:43,128,166, A>G. VCF-style: chr10-43128166-A-G. GRCh37 (hg19) VCF-style: chr10-43623614-A-G.
Other names: c.*1412A>G (NM_001355216.2, NM_001406764.1, NM_001406765.1 and 15 more transcripts); c.3242A>G, p.Asp1081Gly (NM_001406743.1); c.3182A>G, p.Asp1061Gly (NM_001406759.1, NM_001406760.1); c.3113A>G, p.Asp1038Gly (NM_001406761.1, NM_001406762.1); c.3107A>G, p.Asp1036Gly (NM_001406763.1); c.2954A>G, p.Asp985Gly (NM_001406766.1, NM_001406767.1); c.2846A>G, p.Asp949Gly (NM_001406769.1); c.2804A>G, p.Asp935Gly (NM_001406771.1); and 10 more; short protein forms D1038G, D686G, D739G, D782G, D819G, D1061G, D935G, D578G.
Identifiers: ClinVar variation 4719032 (VCV004719032.1).

ClinVar aggregate classification (germline): Uncertain significance (1 of 4 stars; one submission).

Conditions:
Multiple endocrine neoplasia, type 2 (MEN2). Identifiers: Orphanet 653, MedGen C4048306, MONDO:0019003. Disease mechanism: gain of function.

Submission:

Labcorp Genetics (formerly Invitae), Labcorp
Classification: Uncertain significance for Multiple endocrine neoplasia, type 2. Last evaluated: 2025-05-06. Review status: criteria provided, single submitter. Criteria: Invitae Variant Classification Sherloc (09022015). Collection method: clinical testing. Allele origin: germline.
Comment: This sequence change replaces aspartic acid, which is acidic and polar, with glycine, which is neutral and non-polar, at codon 1081 of the RET protein (p.Asp1081Gly). This variant is not present in population databases (gnomAD no frequency). This variant has not been reported in the literature in individuals affected with RET-related conditions. An algorithm developed to predict the effect of missense changes on protein structure and function (PolyPhen-2) suggests that this variant is likely to be tolerated. Algorithms developed to predict the effect of sequence changes on RNA splicing suggest that this variant may disrupt the consensus splice site. In summary, the available evidence is currently insufficient to determine the role of this variant in disease. Therefore, it has been classified as a Variant of Uncertain Significance.